The following is an entry in ClinVar:

NM_004984.4(KIF5A):c.2738G>T (p.Gly913Val)

Gene: KIF5A (kinesin family member 5A; plus strand). Cytogenetic location: 12q13.3.
Variant type: single nucleotide variant.
Coding change: c.2738G>T on transcript NM_004984.4 (MANE Select); coding-DNA position 2738, G replaced by T.
Protein change: p.Gly913Val; replaces glycine 913 with valine.
Molecular consequence: missense variant.
Genome position (GRCh38, 1-based): chr12:57,581,155, G>T. VCF-style: chr12-57581155-G-T. GRCh37 (hg19) VCF-style: chr12-57974938-G-T.
Other names: c.2471G>T, p.Gly824Val (NM_001354705.2); short protein forms G824V, G913V.
Identifiers: ClinVar variation 2993125 (VCV002993125.3), dbSNP rs2540514908, ClinGen allele CA385515402.
Genomic context (GRCh38, chr12:57,581,155, plus strand): 5'-ACCAGCAGGAGGTGGACCGCATCAAGGAGGCCGTTCGCTACAAGAGCTCGGGCAAACGGG[G>T]CCATTCTGCCCAGATTGGTGAGTAGGTGTTAGCAGGCAAGGTGGGAGTATCTCCTGAAGC-3'
Protein context (NP_004975.2, residues 903-923): AVRYKSSGKR[Gly913Val]HSAQIAKPVR

ClinVar aggregate classification (germline): Uncertain significance (1 of 4 stars; one submission).

Conditions:
Spastic paraplegia. Identifiers: MedGen C0037772, HP:0001258.

Submission:

Labcorp Genetics (formerly Invitae), Labcorp
Classification: Uncertain significance for Spastic paraplegia. Last evaluated: 2024-02-03. Review status: criteria provided, single submitter. Criteria: Invitae Variant Classification Sherloc (09022015). Collection method: clinical testing. Allele origin: germline.
Comment: This sequence change replaces glycine, which is neutral and non-polar, with valine, which is neutral and non-polar, at codon 913 of the KIF5A protein (p.Gly913Val). This variant is not present in population databases (gnomAD no frequency). This variant has not been reported in the literature in individuals affected with KIF5A-related conditions. Advanced modeling of protein sequence and biophysical properties (such as structural, functional, and spatial information, amino acid conservation, physicochemical variation, residue mobility, and thermodynamic stability) performed at Invitae indicates that this missense variant is not expected to disrupt KIF5A protein function with a negative predictive value of 95%. In summary, the available evidence is currently insufficient to determine the role of this variant in disease. Therefore, it has been classified as a Variant of Uncertain Significance.